The following is an entry in ClinVar:

ClinVar aggregate classification (germline): Benign. Review status: criteria provided, single submitter (1 of 4 stars). 2 submissions from 1 submitter: Benign (2). Last evaluated 2018-01-13.

Conditions:
Susceptibility to mononeuropathy of the median nerve, mild. Also called: CARPAL TUNNEL SYNDROME, SUSCEPTIBILITY TO. Identifiers: MedGen C3150596, MONDO:0013237, OMIM 613353.
Charcot-Marie-Tooth disease type 4C (CMT4C). Also called: CHARCOT-MARIE-TOOTH DISEASE, DEMYELINATING, AUTOSOMAL RECESSIVE, TYPE 4C; CMT 4C; Charcot-Marie-Tooth Neuropathy Type 4C (CMT4C); CHARCOT-MARIE-TOOTH DISEASE, DEMYELINATING, TYPE 4C; SH3TC2-Related Hereditary Motor and Sensory Neuropathy. Identifiers: Orphanet 99949, MedGen C1866636, MONDO:0011113, OMIM 601596.

Allele frequency attached by ClinVar (database versions not stated): gnomAD 0.03209 and 0.03471; TOPMed 0.04741; 1000 Genomes Project 0.06969; 1000 Genomes Project 30x 0.06996.
gnomAD v4.1: 5,295 of 152,290 alleles (3.5%); highest among the groups gnomAD compares: Admixed American, 17%; 341 homozygotes.

Submissions (2):

Illumina Laboratory Services, Illumina
Classification: Benign for Susceptibility to mononeuropathy of the median nerve, mild. Last evaluated: 2018-01-13. Review status: criteria provided, single submitter. Criteria: ICSL Variant Classification Criteria 13 December 2019. Collection method: clinical testing. Allele origin: germline.
Comment: This variant was observed in the ICSL laboratory as part of a predisposition screen in an ostensibly healthy population. It had not been previously curated by ICSL or reported in the Human Gene Mutation Database (HGMD: prior to June 1st, 2018), and was therefore a candidate for classification through an automated scoring system. Utilizing variant allele frequency, disease prevalence and penetrance estimates, and inheritance mode, an automated score was calculated to assess if this variant is too frequent to cause the disease. Based on the score and internal cut-off values, a variant classified as benign is not then subjected to further curation. The score for this variant resulted in a classification of benign for this disease.

Illumina Laboratory Services, Illumina
Classification: Benign for Charcot-Marie-Tooth disease type 4C. Last evaluated: 2018-01-13. Review status: criteria provided, single submitter. Criteria: ICSL Variant Classification Criteria 13 December 2019. Collection method: clinical testing. Allele origin: germline.
Comment: the same text as in the submission from Illumina Laboratory Services, Illumina above.

NM_024577.4(SH3TC2):c.*17317G>A

Gene: SH3TC2 (SH3 domain and tetratricopeptide repeats 2; minus strand). Cytogenetic location: 5q32.
Variant type: single nucleotide variant.
Coding change: c.*17317G>A on transcript NM_024577.4 (MANE Select); 17317 bases downstream of the stop codon, G replaced by A.
Molecular consequence: 3 prime UTR variant.
Genome position (GRCh38, 1-based): chr5:148,987,394, C>T on the plus strand (G>A on the coding strand, the complement: SH3TC2 is on the minus strand). VCF-style: chr5-148987394-C-T. GRCh37 (hg19) VCF-style: chr5-148366957-C-T.
Identifiers: ClinVar variation 351618 (VCV000351618.5), dbSNP rs78254952, ClinGen allele CA10623304.